The following is an entry in ClinVar:

ClinVar aggregate classification (germline): Conflicting classifications of pathogenicity. Review status: criteria provided, conflicting classifications (1 of 4 stars). 4 submissions from 4 submitters: Uncertain significance (1); Likely benign (2). 1 of the submissions does not count toward it. Last evaluated 2025-12-20.

Conditions:
Noonan syndrome 9 (NS9). Identifiers: Orphanet 648, MedGen C4225282, MONDO:0014691, OMIM 616559.
Cardiovascular phenotype. Identifiers: MedGen CN230736.
SOS2-related disorder. Also called: SOS2-related condition.

gnomAD v4.1: 8 of 1,613,998 alleles (0.0005%); highest among the groups gnomAD compares: East Asian, 0.018%; no homozygotes.

Submissions (4):

Labcorp Genetics (formerly Invitae), Labcorp
Classification: Likely benign for Noonan syndrome 9. Last evaluated: 2025-12-20. Review status: criteria provided, single submitter. Criteria: Invitae Variant Classification Sherloc (09022015). Collection method: clinical testing. Allele origin: germline.

Ambry Genetics
Classification: Uncertain significance for Cardiovascular phenotype. Last evaluated: 2024-04-08. Review status: criteria provided, single submitter. Criteria: Ambry Variant Classification Scheme 2023. Collection method: clinical testing. Allele origin: germline.
Comment: The p.C500S variant (also known as c.1499G>C), located in coding exon 10 of the SOS2 gene, results from a G to C substitution at nucleotide position 1499. The cysteine at codon 500 is replaced by serine, an amino acid with dissimilar properties. This amino acid position is conserved. In addition, this alteration is predicted to be tolerated by in silico analysis. Based on the available evidence, the clinical significance of this variant remains unclear.

Blueprint Genetics
Classification: Likely benign. Last evaluated: 2022-09-09. Review status: criteria provided, single submitter. Criteria: ACMG Guidelines, 2015. Collection method: clinical testing. Allele origin: germline.

PreventionGenetics, part of Exact Sciences
Classification: Uncertain significance for SOS2-related condition. Last evaluated: 2024-08-12. Review status: no assertion criteria provided. Collection method: clinical testing. Allele origin: germline. Not counted in ClinVar's aggregate classification.
Comment: The SOS2 c.1499G>C variant is predicted to result in the amino acid substitution p.Cys500Ser. To our knowledge, this variant has not been reported in the literature. This variant is reported in 0.011% of alleles in individuals of East Asian descent in gnomAD. Although we suspect that this variant may be benign, at this time, the clinical significance of this variant is uncertain due to the absence of conclusive functional and genetic evidence.

NM_006939.4(SOS2):c.1499G>C (p.Cys500Ser)

Gene: SOS2 (SOS Ras/Rho guanine nucleotide exchange factor 2; minus strand). Cytogenetic location: 14q21.3.
Variant type: single nucleotide variant.
Coding change: c.1499G>C on transcript NM_006939.4 (MANE Select); coding-DNA position 1499, G replaced by C.
Protein change: p.Cys500Ser; replaces cysteine 500 with serine.
Molecular consequence: missense variant.
Genome position (GRCh38, 1-based): chr14:50,159,784, C>G on the plus strand (G>C on the coding strand, the complement: SOS2 is on the minus strand). VCF-style: chr14-50159784-C-G. GRCh37 (hg19) VCF-style: chr14-50626502-C-G.
Other names: c.1400G>C, p.Cys467Ser (NM_001411020.1); c.1499G>C (NM_006939.2, NM_006939.3); short protein forms C500S, C467S.
Identifiers: ClinVar variation 2201714 (VCV002201714.7), dbSNP rs1273541394, ClinGen allele CA389645635.